The following is an entry in ClinVar:

ClinVar aggregate classification (germline): Uncertain significance (1 of 4 stars; one submission).

Conditions:
TTN-related disorder. Also called: TTN-related condition; TTN-related disease; TTN-related disorders.

Allele frequency attached by ClinVar (database versions not stated): gnomAD exomes 0.00001.
gnomAD v4.1: 3 of 1,613,880 alleles (0.00019%); highest among the groups gnomAD compares: Admixed American, 0.005%; no homozygotes.

Submission:

PreventionGenetics, part of Exact Sciences
Classification: Uncertain significance for TTN-related condition. Last evaluated: 2022-09-26. Review status: criteria provided, single submitter. Criteria: ACMG Guidelines, 2015. Collection method: clinical testing. Allele origin: germline.
Comment: The TTN c.14528T>C variant is predicted to result in the amino acid substitution p.Ile4843Thr. To our knowledge, this variant has not been reported in the literature. This variant is reported in 0.0058% of alleles in individuals of Latino descent in gnomAD. At this time, the clinical significance of this variant is uncertain due to the absence of conclusive functional and genetic evidence.

NM_001267550.2(TTN):c.14528T>C (p.Ile4843Thr)

Gene: TTN (titin; minus strand). Cytogenetic location: 2q31.2.
Variant type: single nucleotide variant.
Coding change: c.14528T>C on transcript NM_001267550.2 (MANE Select); coding-DNA position 14528, T replaced by C.
Protein change: p.Ile4843Thr; replaces isoleucine 4843 with threonine.
Molecular consequence: missense variant. On other transcripts: intron variant (3).
Genome position (GRCh38, 1-based): chr2:178,735,918, A>G on the plus strand (T>C on the coding strand, the complement: TTN is on the minus strand). VCF-style: chr2-178735918-A-G. GRCh37 (hg19) VCF-style: chr2-179600645-A-G.
Other names: c.13577T>C, p.Ile4526Thr (NM_001256850.1); c.10796T>C, p.Ile3599Thr (NM_133378.4); c.13282+2164T>C (NM_003319.4); c.13858+2164T>C (NM_133437.4); c.13657+2164T>C (NM_133432.3); short protein forms I3599T, I4526T, I4843T.
Identifiers: ClinVar variation 2637028 (VCV002637028.1), dbSNP rs1401764178, ClinGen allele CA349599267.
Genomic context (GRCh38, chr2:178,735,918, plus strand): 5'-CCTCTATCTTGAATGGTAAGGTTTGAGAGTTCTAAAATGTGTTTGTTTTCTGCGTCGGAA[A>G]TCCTCCAGTTAGGTGAAGGTGAGAGTGCAGCACCATCTTTCTGCCAAATGGTTTCTATCA-3'
Protein context (NP_001254479.2, residues 4833-4853): AALSPSPNWR[Ile4843Thr]SDAENKHILE